The following is an entry in ClinVar:

ClinVar aggregate classification (germline): Pathogenic (1 of 4 stars; one submission).

Conditions:
Familial cancer of breast. Also called: BREAST CANCER, FAMILIAL; Hereditary breast cancer; hereditary breast carcinoma. Identifiers: Orphanet 227535, MedGen C0346153, MONDO:0016419, OMIM 114480. Disease mechanism: loss of function.

Submission:

Myriad Genetics, Inc.
Classification: Pathogenic for Familial cancer of breast. Last evaluated: 2024-01-08. Review status: criteria provided, single submitter. Criteria: Myriad Autosomal Dominant, Autosomal Recessive and X-Linked Classification Criteria (2023). Collection method: clinical testing. Allele origin: unknown.
Comment: This variant is considered pathogenic. This variant creates a termination codon and is predicted to result in premature protein truncation.

NM_000051.4(ATM):c.316A>T (p.Lys106Ter)

Gene: ATM (ATM serine/threonine kinase; plus strand). Cytogenetic location: 11q22.3.
Variant type: single nucleotide variant.
Coding change: c.316A>T on transcript NM_000051.4 (MANE Select); coding-DNA position 316, A replaced by T.
Protein change: p.Lys106Ter; replaces lysine 106 with a stop codon.
Molecular consequence: nonsense.
Genome position (GRCh38, 1-based): chr11:108,229,308, A>T. VCF-style: chr11-108229308-A-T. GRCh37 (hg19) VCF-style: chr11-108100035-A-T.
Other names: c.316A>T, p.Lys106Ter (NM_001351834.2, NM_001351835.2, NM_001351836.2); short protein forms K106*.
Identifiers: ClinVar variation 3148276 (VCV003148276.1), dbSNP rs2135038006, ClinGen allele CA382521775.